The following is an entry in ClinVar:

NM_004817.4(TJP2):c.307C>T (p.Gln103Ter)

Gene: TJP2 (tight junction protein 2; plus strand). Cytogenetic location: 9q21.11.
Variant type: single nucleotide variant.
Coding change: c.307C>T on transcript NM_004817.4 (MANE Select); coding-DNA position 307, C replaced by T.
Protein change: p.Gln103Ter; replaces glutamine 103 with a stop codon.
Molecular consequence: nonsense.
Genome position (GRCh38, 1-based): chr9:69,218,324, C>T. VCF-style: chr9-69218324-C-T. GRCh37 (hg19) VCF-style: chr9-71833240-C-T.
Other names: c.238C>T, p.Gln80Ter (NM_001170414.2, NM_001369870.1, NM_001369871.1); c.319C>T, p.Gln107Ter (NM_001170415.1, NM_001369874.1, NM_001369875.1); c.400C>T, p.Gln134Ter (NM_001170416.2); c.307C>T, p.Gln103Ter (NM_001369872.1, NM_001369873.1, NM_201629.3); short protein forms Q107*, Q134*, Q80*, Q103*.
Identifiers: ClinVar variation 4998013 (VCV004998013.1).
Genomic context (GRCh38, chr9:69,218,324, plus strand): 5'-GACAGAGTGGTCATGGTCAATGGCACCCCCATGGAGGATGTGCTTCATTCGTTTGCAGTT[C>T]AGCAGCTCAGAAAAAGTGGGAAGGTCGCTGCTATTGTAAGTACTGGGTTTGCTTTCAGCT-3'

ClinVar aggregate classification (germline): Likely pathogenic (1 of 4 stars; one submission).

Conditions:
TJP2-related disorder. Also called: TJP2-related condition.

Submission:

PreventionGenetics, part of Exact Sciences
Classification: Likely pathogenic for TJP2-related condition. Last evaluated: 2024-10-17. Review status: criteria provided, single submitter. Criteria: ACMG Guidelines, 2015. Collection method: clinical testing. Allele origin: germline.
Comment: The TJP2 c.307C>T variant is predicted to result in premature protein termination (p.Gln103*). To our knowledge, this variant has not been reported in the literature or in a large population database (gnomAD), indicating this variant is rare. Nonsense variants in TJP2 are expected to be pathogenic. This variant is interpreted as likely pathogenic.